The following is an entry in ClinVar:

NM_001308210.2(TSHZ1):c.2660G>C (p.Gly887Ala)

Gene: TSHZ1 (teashirt zinc finger homeobox 1; plus strand). Cytogenetic location: 18q22.3.
Variant type: single nucleotide variant.
Coding change: c.2660G>C on transcript NM_001308210.2 (MANE Select); coding-DNA position 2660, G replaced by C.
Protein change: p.Gly887Ala; replaces glycine 887 with alanine.
Molecular consequence: missense variant.
Genome position (GRCh38, 1-based): chr18:75,288,067, G>C. VCF-style: chr18-75288067-G-C. GRCh37 (hg19) VCF-style: chr18-73000022-G-C.
Other names: c.2525G>C, p.Gly842Ala (NM_005786.6); short protein forms G842A, G887A.
Identifiers: ClinVar variation 3346950 (VCV003346950.1).
Genomic context (GRCh38, chr18:75,288,067, plus strand): 5'-CTGATGGCAGCAGCTTTGAGGAGGCGTTGGACGAGCTGTCACCGGTCCACAAGAGGAAGG[G>C]CCGGCAGTCCAACTGGAACCCGCAGCACCTTCTCATCCTGCAGGCCCAGTTCGCCTCGAG-3'
Protein context (NP_001295139.1, residues 877-897): DELSPVHKRK[Gly887Ala]RQSNWNPQHL

ClinVar aggregate classification (germline): Uncertain significance (0 of 4 stars; one submission).

Conditions:
TSHZ1-related disorder. Also called: TSHZ1-related condition.

Submission:

PreventionGenetics, part of Exact Sciences
Classification: Uncertain significance for TSHZ1-related condition. Last evaluated: 2024-09-04. Review status: no assertion criteria provided. Collection method: clinical testing. Allele origin: germline.
Comment: The TSHZ1 c.2525G>C variant is predicted to result in the amino acid substitution p.Gly842Ala. To our knowledge, this variant has not been reported in the literature or in a large population database, indicating this variant is rare. At this time, the clinical significance of this variant is uncertain due to the absence of conclusive functional and genetic evidence.